The following is an entry in ClinVar:

NM_000287.4(PEX6):c.740dup (p.Arg248fs)

Gene: PEX6 (peroxisomal biogenesis factor 6; minus strand). Cytogenetic location: 6p21.1.
Variant type: Duplication.
Coding change: c.740dup on transcript NM_000287.4 (MANE Select); coding-DNA position 740, one base duplicated (C; older notation c.740dupC).
Protein change: p.Arg248fs; shifts the reading frame from arginine 248.
Molecular consequence: frameshift variant. On other transcripts: non-coding transcript variant (1), intron variant (1).
Genome position (GRCh38, 1-based): chr6:42,978,411, G duplicated on the plus strand (C on the coding strand, the reverse complement: PEX6 is on the minus strand); the first of 2 consecutive G bases (chr6:42,978,411-42,978,412); duplicating either gives the same sequence. VCF-style (leftmost placement, unchanged base first): chr6-42978410-A-AG. GRCh37 (hg19) VCF-style: chr6-42946148-A-AG.
Other names: c.618+122dup (NM_001316313.2); short protein forms R248fs.
Identifiers: ClinVar variation 2700796 (VCV002700796.3), dbSNP rs2481276451, ClinGen allele CA2697553399.

ClinVar aggregate classification (germline): Pathogenic (1 of 4 stars; one submission).

Conditions:
Peroxisome biogenesis disorder. Identifiers: Orphanet 79189, MedGen C1832200, MONDO:0019234. Disease mechanism: loss of function.

Submission:

Labcorp Genetics (formerly Invitae), Labcorp
Classification: Pathogenic for Peroxisome biogenesis disorder. Last evaluated: 2023-12-04. Review status: criteria provided, single submitter. Criteria: Invitae Variant Classification Sherloc (09022015). Collection method: clinical testing. Allele origin: germline.
Comment: This sequence change creates a premature translational stop signal (p.Arg248Serfs*6) in the PEX6 gene. It is expected to result in an absent or disrupted protein product. Loss-of-function variants in PEX6 are known to be pathogenic (PMID: 10408779, 21031596, 31831025). This variant is not present in population databases (gnomAD no frequency). This variant has not been reported in the literature in individuals affected with PEX6-related conditions. For these reasons, this variant has been classified as Pathogenic.

Literature cited by the submitters: PubMed 10408779; PubMed 21031596; PubMed 31831025.